The following is an entry in ClinVar:

ClinVar aggregate classification (germline): Uncertain significance (1 of 4 stars; one submission).

Conditions:
Duchenne muscular dystrophy (DMD). Also called: MUSCULAR DYSTROPHY, PSEUDOHYPERTROPHIC PROGRESSIVE, DUCHENNE TYPE; Duchenne Muscular Dystrophy (DMD). Identifiers: Orphanet 98896, MedGen C0013264, MONDO:0010679, OMIM 310200.

gnomAD v4.1: 2 of 1,211,695 alleles (0.00017%); highest among the groups gnomAD compares: East Asian, 0.003%; no homozygotes.

Submission:

Labcorp Genetics (formerly Invitae), Labcorp
Classification: Uncertain significance for Duchenne muscular dystrophy. Last evaluated: 2024-04-08. Review status: criteria provided, single submitter. Criteria: Invitae Variant Classification Sherloc (09022015). Collection method: clinical testing. Allele origin: germline.
Comment: This sequence change replaces proline, which is neutral and non-polar, with serine, which is neutral and polar, at codon 2892 of the DMD protein (p.Pro2892Ser). The frequency data for this variant in the population databases is considered unreliable, as metrics indicate poor data quality at this position in the gnomAD database. This variant has not been reported in the literature in individuals affected with DMD-related conditions. Advanced modeling of protein sequence and biophysical properties (such as structural, functional, and spatial information, amino acid conservation, physicochemical variation, residue mobility, and thermodynamic stability) performed at Invitae indicates that this missense variant is not expected to disrupt DMD protein function with a negative predictive value of 95%. In summary, the available evidence is currently insufficient to determine the role of this variant in disease. Therefore, it has been classified as a Variant of Uncertain Significance.

NM_004006.3(DMD):c.8674C>T (p.Pro2892Ser)

Gene: DMD (dystrophin; minus strand). Cytogenetic location: Xp21.2.
Variant type: single nucleotide variant.
Coding change: c.8674C>T on transcript NM_004006.3 (MANE Select); coding-DNA position 8674, C replaced by T.
Protein change: p.Pro2892Ser; replaces proline 2892 with serine.
Molecular consequence: missense variant.
Genome position (GRCh38, 1-based): chrX:31,478,369, G>A on the plus strand (C>T on the coding strand, the complement: DMD is on the minus strand). VCF-style: chrX-31478369-G-A. GRCh37 (hg19) VCF-style: chrX-31496486-G-A.
Other names: c.8650C>T, p.Pro2884Ser (NM_000109.4); c.8662C>T, p.Pro2888Ser (NM_004009.3); c.8305C>T, p.Pro2769Ser (NM_004010.3); c.4651C>T, p.Pro1551Ser (NM_004011.4); c.4642C>T, p.Pro1548Ser (NM_004012.4); c.1294C>T, p.Pro432Ser (NM_004013.3, NM_004020.4, NM_004021.3 and 2 more transcripts); c.487C>T, p.Pro163Ser (NM_004014.3); short protein forms P1548S, P1551S, P163S, P2769S, P2884S, P2888S, P2892S, P432S.
Identifiers: ClinVar variation 3628852 (VCV003628852.2).